The following is an entry in ClinVar:

ClinVar aggregate classification (germline): Likely pathogenic (1 of 4 stars; one submission).

Conditions:
alpha Thalassemia. Also called: Alpha thalassemia spectrum. Identifiers: Orphanet 846, MedGen C0002312, MONDO:0011399, OMIM 604131.

Submission:

Natera, Inc.
Classification: Likely pathogenic for Alpha thalassemia. Last evaluated: 2024-04-05. Review status: criteria provided, single submitter. Criteria: Natera Variant Classification Schema (03/2026). Collection method: clinical testing. Allele origin: germline.
Comment: The c.270_271insCACC variant in HBA2 is a frameshift variant predicted to elongate the protein beyond the termination codon. This variant is expected to result in nonsense mediated decay, truncation, or a dysfunctional protein product. This variant is rare in the general population with a frequency below the threshold expected for the associated phenotype(s). Given the available evidence, this variant is classified as Likely Pathogenic.

NM_000517.6(HBA2):c.270_271insCACC (p.Lys91fs)

Genes: HBA2 (hemoglobin subunit alpha 2; plus strand), LOC106804612 (hemoglobin subunit alpha 2 recombination region; plus strand). Cytogenetic location: 16p13.3.
Variant type: Insertion.
Coding change: c.270_271insCACC on transcript NM_000517.6 (MANE Select); coding-DNA positions 270 to 271, CACC inserted.
Protein change: p.Lys91fs; shifts the reading frame from lysine 91.
Molecular consequence: frameshift variant.
Genome position: GRCh38 VCF-style: chr16-173298-A-ACCAC. GRCh37 (hg19) VCF-style: chr16-223297-A-ACCAC.
Other names: short protein forms K91fs.
Identifiers: ClinVar variation 4818653 (VCV004818653.1).